The following is an entry in ClinVar:

NM_001371986.1(UNC80):c.2690A>G (p.Glu897Gly)

Gene: UNC80 (unc-80 subunit of NALCN channel complex; plus strand). Cytogenetic location: 2q34.
Variant type: single nucleotide variant.
Coding change: c.2690A>G on transcript NM_001371986.1 (MANE Select); coding-DNA position 2690, A replaced by G.
Protein change: p.Glu897Gly; replaces glutamic acid 897 with glycine.
Molecular consequence: missense variant.
Genome position (GRCh38, 1-based): chr2:209,831,506, A>G. VCF-style: chr2-209831506-A-G. GRCh37 (hg19) VCF-style: chr2-210696230-A-G.
Other names: c.2690A>G, p.Glu897Gly (NM_032504.2); c.2675A>G, p.Glu892Gly (NM_182587.4); short protein forms E897G, E892G.
Identifiers: ClinVar variation 1940541 (VCV001940541.5), dbSNP rs1181631623, ClinGen allele CA350411215.
Genomic context (GRCh38, chr2:209,831,506, plus strand): 5'-AGGCTGGGTTTGGAAATAACTTCACCACAGTGGACAACAAATCCACAGCCCAAAATGTGG[A>G]AGGCATTATCGTCAGCGCCATGTTTAAATCCCTCATCACACGCTGCGCTTCAACCACACA-3'
Protein context (NP_001358915.1, residues 887-907): VDNKSTAQNV[Glu897Gly]GIIVSAMFKS

ClinVar aggregate classification (germline): Uncertain significance (1 of 4 stars; one submission).

Allele frequency attached by ClinVar (database versions not stated): TOPMed 0.00001.

Submission:

Labcorp Genetics (formerly Invitae), Labcorp
Classification: Uncertain significance. Last evaluated: 2022-07-10. Review status: criteria provided, single submitter. Criteria: Invitae Variant Classification Sherloc (09022015). Collection method: clinical testing. Allele origin: germline.
Comment: In summary, the available evidence is currently insufficient to determine the role of this variant in disease. Therefore, it has been classified as a Variant of Uncertain Significance. Algorithms developed to predict the effect of missense changes on protein structure and function are either unavailable or do not agree on the potential impact of this missense change (SIFT: "Not Available"; PolyPhen-2: "Probably Damaging"; Align-GVGD: "Not Available"). This variant has not been reported in the literature in individuals affected with UNC80-related conditions. This variant is not present in population databases (gnomAD no frequency). This sequence change replaces glutamic acid, which is acidic and polar, with glycine, which is neutral and non-polar, at codon 897 of the UNC80 protein (p.Glu897Gly).